The following is an entry in ClinVar:

NM_013382.7(POMT2):c.1438G>A (p.Val480Ile)

Gene: POMT2 (protein O-mannosyltransferase 2; minus strand). Cytogenetic location: 14q24.3.
Variant type: single nucleotide variant.
Coding change: c.1438G>A on transcript NM_013382.7 (MANE Select); coding-DNA position 1438, G replaced by A.
Protein change: p.Val480Ile; replaces valine 480 with isoleucine.
Molecular consequence: missense variant.
Genome position (GRCh38, 1-based): chr14:77,285,527, C>T on the plus strand (G>A on the coding strand, the complement: POMT2 is on the minus strand). VCF-style: chr14-77285527-C-T. GRCh37 (hg19) VCF-style: chr14-77751870-C-T.
Other names: short protein forms V480I.
Identifiers: ClinVar variation 3768352 (VCV003768352.1).

ClinVar aggregate classification (germline): Uncertain significance (1 of 4 stars; one submission).

gnomAD v4.1: 5 of 1,614,054 alleles (0.00031%); highest among the groups gnomAD compares: East Asian, 0.0089%; no homozygotes.

Submission:

Women's Health and Genetics/Laboratory Corporation of America, LabCorp
Classification: Uncertain significance. Last evaluated: 2024-12-02. Review status: criteria provided, single submitter. Criteria: LabCorp Variant Classification Summary - May 2015. Collection method: clinical testing. Allele origin: germline.
Comment: Variant summary: POMT2 c.1438G>A (p.Val480Ile) results in a conservative amino acid change in the encoded protein sequence. Five of five in-silico tools predict a benign effect of the variant on protein function. The variant allele was found at a frequency of 1.6e-05 in 251492 control chromosomes. The available data on variant occurrences in the general population are insufficient to allow any conclusion about variant significance. To our knowledge, no occurrence of c.1438G>A in individuals affected with Limb-Girdle Muscular Dystrophy, Autosomal Recessive and no experimental evidence demonstrating its impact on protein function have been reported. No submitters have cited clinical-significance assessments for this variant to ClinVar. Based on the evidence outlined above, the variant was classified as uncertain significance.